The following is an entry in ClinVar:

ClinVar aggregate classification (germline): Uncertain significance (1 of 4 stars; one submission).

Conditions:
Hereditary cancer-predisposing syndrome. Also called: Neoplastic Syndromes, Hereditary; Tumor predisposition; Hereditary neoplastic syndrome; Hereditary Cancer Syndrome. Identifiers: Orphanet 140162, MedGen C0027672, MeSH D009386, MONDO:0015356.

Submission:

Ambry Genetics
Classification: Uncertain significance for Hereditary cancer-predisposing syndrome. Last evaluated: 2026-07-06. Review status: criteria provided, single submitter. Criteria: Ambry Variant Classification Scheme 2023. Collection method: clinical testing. Allele origin: germline.
Comment: The p.H121Y variant (also known as c.361C>T), located in coding exon 3 of the CDH1 gene, results from a C to T substitution at nucleotide position 361. The histidine at codon 121 is replaced by tyrosine, an amino acid with similar properties. This amino acid position is conserved. In addition, this alteration is predicted to be tolerated by in silico analysis. Based on the available evidence, the clinical significance of this variant remains unclear.

NM_004360.5(CDH1):c.361C>T (p.His121Tyr)

Gene: CDH1 (cadherin 1; plus strand). Cytogenetic location: 16q22.1.
Variant type: single nucleotide variant.
Coding change: c.361C>T on transcript NM_004360.5 (MANE Select); coding-DNA position 361, C replaced by T.
Protein change: p.His121Tyr; replaces histidine 121 with tyrosine.
Molecular consequence: missense variant. On other transcripts: 5 prime UTR variant (2).
Genome position (GRCh38, 1-based): chr16:68,801,867, C>T. VCF-style: chr16-68801867-C-T. GRCh37 (hg19) VCF-style: chr16-68835770-C-T.
Other names: c.361C>T, p.His121Tyr (NM_001317184.2); c.-1255C>T (NM_001317185.2); c.-1459C>T (NM_001317186.2); short protein forms H121Y.
Identifiers: ClinVar variation 5033901 (VCV005033901.1).
Genomic context (GRCh38, chr16:68,801,867, plus strand): 5'-TACGCCTGGGACTCCACCTACAGAAAGTTTTCCACCAAAGTCACGCTGAATACAGTGGGG[C>T]ACCACCACCGCCCCCCGCCCCATCAGGTATGTTGGCATTTTTCTGAGAAGTTCGCTGTTG-3'
Protein context (NP_004351.1, residues 111-131): STKVTLNTVG[His121Tyr]HHRPPPHQAS